The following is an entry in ClinVar:

NM_007294.4(BRCA1):c.1982G>A (p.Arg661Lys)

Gene: BRCA1 (BRCA1 DNA repair associated; minus strand). Cytogenetic location: 17q21.31.
Variant type: single nucleotide variant.
Coding change: c.1982G>A on transcript NM_007294.4 (MANE Select); coding-DNA position 1982, G replaced by A.
Protein change: p.Arg661Lys; replaces arginine 661 with lysine.
Molecular consequence: missense variant. On other transcripts: intron variant (137).
Genome position (GRCh38, 1-based): chr17:43,093,549, C>T on the plus strand (G>A on the coding strand, the complement: BRCA1 is on the minus strand). VCF-style: chr17-43093549-C-T. GRCh37 (hg19) VCF-style: chr17-41245566-C-T.
Other names: NP_009225.1:p.Arg661Lys; c.1769G>A, p.Arg590Lys (NM_001407571.1, NM_001407853.1, NM_001407894.1 and 9 more transcripts); c.1982G>A, p.Arg661Lys (NM_001407581.1, NM_001407582.1, NM_001407583.1 and 30 more transcripts); c.1979G>A, p.Arg660Lys (NM_001407587.1, NM_001407590.1, NM_001407591.1 and 22 more transcripts); c.1973G>A, p.Arg658Lys (NM_001407646.1, NM_001407647.1); c.1859G>A, p.Arg620Lys (NM_001407648.1, NM_001407664.1, NM_001407665.1 and 19 more transcripts); c.1856G>A, p.Arg619Lys (NM_001407649.1, NM_001407670.1, NM_001407671.1 and 11 more transcripts); c.1904G>A, p.Arg635Lys (NM_001407653.1, NM_001407654.1, NM_001407655.1 and 4 more transcripts); and 41 more; short protein forms R614K, R661K, R533K, R572K, R573K, R613K, R619K, R634K.
Identifiers: ClinVar variation 1679000 (VCV001679000.4), dbSNP rs2053848136, ClinGen allele CA10598053.

ClinVar aggregate classification (germline): Conflicting classifications of pathogenicity. Review status: criteria provided, conflicting classifications (1 of 4 stars). 2 submissions from 2 submitters: Uncertain significance (1); Likely benign (1). Last evaluated 2023-03-23.

Conditions:
Hereditary breast ovarian cancer syndrome. Also called: Hereditary breast and ovarian cancer syndrome; BRCA1- and BRCA2-Associated Hereditary Breast and Ovarian Cancer; Hereditary breast and ovarian cancer syndrome (HBOC); Hereditary breast and/or ovarian cancer syndrome; Breast and ovarian cancer; Hereditary breast and ovarian cancer. Identifiers: Orphanet 145, MedGen C0677776, MeSH D061325, MONDO:0003582. Disease mechanism: loss of function.
Hereditary cancer-predisposing syndrome. Also called: Hereditary neoplastic syndrome; Neoplastic Syndromes, Hereditary; Tumor predisposition; Hereditary Cancer Syndrome. Identifiers: Orphanet 140162, MedGen C0027672, MeSH D009386, MONDO:0015356.

Submissions (2):

University of Washington Department of Laboratory Medicine, University of Washington
Classification: Likely benign for Hereditary cancer-predisposing syndrome. Last evaluated: 2023-03-23. Review status: criteria provided, single submitter. Criteria: Dines et al. (Genet Med. 2020). Collection method: curation. Allele origin: germline.
Comment: Missense variant in a coldspot region where missense variants are very unlikely to be pathogenic (PMID:31911673).

BRCA1 coldspot (exon 11 using historical exon numbering). Reclassification based on statistical prior probability

National Health Laboratory Service, Universitas Academic Hospital and University of the Free State
Classification: Uncertain significance for Hereditary breast ovarian cancer syndrome. Last evaluated: 2022-04-19. Review status: criteria provided, single submitter. Criteria: ACMG Guidelines, 2015. Collection method: clinical testing. Allele origin: germline. Affected: yes. Observed: 1 variant allele.